The following is an entry in ClinVar:

ClinVar aggregate classification (germline): Pathogenic (1 of 4 stars; one submission).

Submission:

GeneDx
Classification: Pathogenic. Last evaluated: 2017-12-20. Review status: criteria provided, single submitter. Criteria: GeneDx Variant Classification (06012015). Collection method: clinical testing. Allele origin: germline. Affected: yes.
Comment: The Q1287X variant in the CHD7 gene has not been reported previously as a pathogenic variant nor as a benign variant, to our knowledge. This variant is predicted to cause loss of normal protein function either through protein truncation or nonsense-mediated mRNA decay. The Q1287X variant is not observed in large population cohorts (Lek et al., 2016). We interpret Q1287X as a pathogenic variant.

NM_017780.4(CHD7):c.3859C>T (p.Gln1287Ter)

Gene: CHD7 (chromodomain helicase DNA binding protein 7; plus strand). Cytogenetic location: 8q12.2.
Variant type: single nucleotide variant.
Coding change: c.3859C>T on transcript NM_017780.4 (MANE Select); coding-DNA position 3859, C replaced by T.
Protein change: p.Gln1287Ter; replaces glutamine 1287 with a stop codon.
Molecular consequence: nonsense. On other transcripts: intron variant (1).
Genome position (GRCh38, 1-based): chr8:60,836,153, C>T. VCF-style: chr8-60836153-C-T. GRCh37 (hg19) VCF-style: chr8-61748712-C-T.
Other names: c.1717-26076C>T (NM_001316690.1); c.3859C>T (LRG_176t1); short protein forms Q1287*.
Identifiers: ClinVar variation 489257 (VCV000489257.2), dbSNP rs1554600522, ClinGen allele CA371316264.